The following is an entry in ClinVar:

NM_152564.5(VPS13B):c.9625C>T (p.Leu3209=)

Gene: VPS13B (vacuolar protein sorting 13 homolog B; plus strand). Cytogenetic location: 8q22.2.
Variant type: single nucleotide variant.
Coding change: c.9625C>T on transcript NM_152564.5 (MANE Select); coding-DNA position 9625, C replaced by T.
Protein change: p.Leu3209=; no amino-acid change (leucine 3209 retained).
Molecular consequence: synonymous variant.
Genome position (GRCh38, 1-based): chr8:99,835,207, C>T. VCF-style: chr8-99835207-C-T. GRCh37 (hg19) VCF-style: chr8-100847435-C-T.
Other names: c.9700C>T, p.Leu3234= (NM_017890.5).
Identifiers: ClinVar variation 4992048 (VCV004992048.1).

ClinVar aggregate classification (germline): Likely benign (1 of 4 stars; one submission).

Conditions:
VPS13B-related disorder. Also called: VPS13B-related condition.

Submission:

PreventionGenetics, part of Exact Sciences
Classification: Likely benign for VPS13B-related condition. Last evaluated: 2026-03-30. Review status: criteria provided, single submitter. Criteria: ACMG Guidelines, 2015. Collection method: clinical testing. Allele origin: germline.
Comment: This variant is classified as likely benign based on ACMG/AMP sequence variant interpretation guidelines (Richards et al. 2015 PMID: 25741868, with internal and published modifications).